The following is an entry in ClinVar:

NM_001378778.1(MPDZ):c.3208G>A (p.Ala1070Thr)

Gene: MPDZ (multiple PDZ domain crumbs cell polarity complex component; minus strand). Cytogenetic location: 9p23.
Variant type: single nucleotide variant.
Coding change: c.3208G>A on transcript NM_001378778.1 (MANE Select); coding-DNA position 3208, G replaced by A.
Protein change: p.Ala1070Thr; replaces alanine 1070 with threonine.
Molecular consequence: missense variant.
Genome position (GRCh38, 1-based): chr9:13,168,412, C>T on the plus strand (G>A on the coding strand, the complement: MPDZ is on the minus strand). VCF-style: chr9-13168412-C-T. GRCh37 (hg19) VCF-style: chr9-13168411-C-T.
Other names: c.3208G>A, p.Ala1070Thr (NM_001261406.2, NM_001261407.2, NM_001330637.2 and 14 more transcripts); short protein forms A1070T.
Identifiers: ClinVar variation 1963678 (VCV001963678.5), dbSNP rs1244108908, ClinGen allele CA372933510.

ClinVar aggregate classification (germline): Uncertain significance (1 of 4 stars; one submission).

Allele frequency attached by ClinVar (database versions not stated): gnomAD exomes below 0.00001.
gnomAD v4.1: 2 of 1,613,460 alleles (0.00012%); highest among the groups gnomAD compares: Admixed American, 0.0017%; no homozygotes.

Submission:

Labcorp Genetics (formerly Invitae), Labcorp
Classification: Uncertain significance. Last evaluated: 2025-07-07. Review status: criteria provided, single submitter. Criteria: Invitae Variant Classification Sherloc (09022015). Collection method: clinical testing. Allele origin: germline.
Comment: This sequence change replaces alanine, which is neutral and non-polar, with threonine, which is neutral and polar, at codon 1070 of the MPDZ protein (p.Ala1070Thr). This variant is not present in population databases (gnomAD no frequency). This variant has not been reported in the literature in individuals affected with MPDZ-related conditions. ClinVar contains an entry for this variant (Variation ID: 1963678). An algorithm developed to predict the effect of missense changes on protein structure and function (PolyPhen-2) suggests that this variant is likely to be disruptive. In summary, the available evidence is currently insufficient to determine the role of this variant in disease. Therefore, it has been classified as a Variant of Uncertain Significance.